The following is an entry in ClinVar:

ClinVar aggregate classification (germline): Uncertain significance. Review status: criteria provided, multiple submitters, no conflicts (2 of 4 stars). 2 submissions from 2 submitters: Uncertain significance (2). Last evaluated 2025-06-07.

Allele frequency attached by ClinVar (database versions not stated): gnomAD 0.00005; ESP Exome Variant Server 0.00008; ExAC 0.00003.
gnomAD v4.1: 135 of 1,610,874 alleles (0.0084%); highest among the groups gnomAD compares: Non-Finnish European, 0.011%; no homozygotes.

Submissions (2):

Ambry Genetics
Classification: Uncertain significance. Last evaluated: 2025-06-07. Review status: criteria provided, single submitter. Criteria: Ambry Variant Classification Scheme 2023. Collection method: clinical testing. Allele origin: germline.

Labcorp Genetics (formerly Invitae), Labcorp
Classification: Uncertain significance. Last evaluated: 2025-03-31. Review status: criteria provided, single submitter. Criteria: Invitae Variant Classification Sherloc (09022015). Collection method: clinical testing. Allele origin: germline.
Comment: This sequence change replaces alanine, which is neutral and non-polar, with serine, which is neutral and polar, at codon 441 of the DYNC1I1 protein (p.Ala441Ser). This variant is present in population databases (rs375862083, gnomAD 0.01%). This variant has not been reported in the literature in individuals affected with DYNC1I1-related conditions. ClinVar contains an entry for this variant (Variation ID: 2523523). An algorithm developed to predict the effect of missense changes on protein structure and function (PolyPhen-2) suggests that this variant is likely to be disruptive. In summary, the available evidence is currently insufficient to determine the role of this variant in disease. Therefore, it has been classified as a Variant of Uncertain Significance.

NM_001135556.2(DYNC1I1):c.1270G>T (p.Ala424Ser)

Gene: DYNC1I1 (dynein cytoplasmic 1 intermediate chain 1; plus strand). Cytogenetic location: 7q21.3.
Variant type: single nucleotide variant.
Coding change: c.1270G>T on transcript NM_001135556.2 (MANE Select); coding-DNA position 1270, G replaced by T.
Protein change: p.Ala424Ser; replaces alanine 424 with serine.
Molecular consequence: missense variant.
Genome position (GRCh38, 1-based): chr7:96,035,658, G>T. VCF-style: chr7-96035658-G-T. GRCh37 (hg19) VCF-style: chr7-95664970-G-T.
Other names: c.1210G>T, p.Ala404Ser (NM_001135557.2, NM_001278422.2); c.1261G>T, p.Ala421Ser (NM_001278421.2); c.1321G>T, p.Ala441Ser (NM_004411.5); short protein forms A404S, A424S, A441S, A421S.
Identifiers: ClinVar variation 2523523 (VCV002523523.6), dbSNP rs375862083, ClinGen allele CA4352489.